The following is an entry in ClinVar:

NM_005188.4(CBL):c.1237G>C (p.Gly413Arg)

Gene: CBL (Cbl proto-oncogene; plus strand). Cytogenetic location: 11q23.3.
Variant type: single nucleotide variant.
Coding change: c.1237G>C on transcript NM_005188.4 (MANE Select); coding-DNA position 1237, G replaced by C.
Protein change: p.Gly413Arg; replaces glycine 413 with arginine.
Molecular consequence: missense variant.
Genome position (GRCh38, 1-based): chr11:119,278,519, G>C. VCF-style: chr11-119278519-G-C. GRCh37 (hg19) VCF-style: chr11-119149229-G-C.
Other names: short protein forms G413R.
Identifiers: ClinVar variation 280598 (VCV000280598.4), dbSNP rs371679886, ClinGen allele CA10603143.

ClinVar aggregate classification (germline): Conflicting classifications of pathogenicity. Review status: criteria provided, conflicting classifications (1 of 4 stars). 2 submissions from 2 submitters: Likely pathogenic (1); Uncertain significance (1). Last evaluated 2022-08-05.

Conditions:
CBL-related disorder. Also called: NOONAN SYNDROME-LIKE DISORDER WITHOUT JUVENILE MYELOMONOCYTIC LEUKEMIA; CBL MUTATION-ASSOCIATED SYNDROME; CBL SYNDROME. Identifiers: Orphanet 363972, MedGen C3150803, MONDO:0013308, OMIM 613563.

gnomAD v4.1: 2 of 1,614,058 alleles (0.00012%); highest among the groups gnomAD compares: Non-Finnish European, 0.00017%; no homozygotes.

Submissions (2):

MGZ Medical Genetics Center
Classification: Uncertain significance for CBL-related disorder. Last evaluated: 2022-08-05. Review status: criteria provided, single submitter. Criteria: ACMG Guidelines, 2015. Collection method: clinical testing. Allele origin: germline. Affected: yes. Observed: 1 variant allele.
Comment: ACMG criteria applied: PM1, PS4_SUP, PM2_SUP, PP3

GeneDx
Classification: Likely pathogenic. Last evaluated: 2017-02-16. Review status: criteria provided, single submitter. Criteria: GeneDx Variant Classification (06012015). Collection method: clinical testing. Allele origin: germline. Affected: yes.
Comment: The G413R variant in the CBL gene has not, to our knowledge, been published in the literature as a germline variant; however, it has been reported as a somatic variant in lung carcinoma samples according to the Catalogue of Somatic Mutations in Cancer (COSMIC) database. The G413R variant was not observed in approximately 6500 individuals of European and African American ancestry in the NHLBI Exome Sequencing Project, indicating it is not a common benign variant in these populations. The G413R variant is a non-conservative amino acid substitution, which is likely to impact secondary protein structure as these residues differ in polarity, charge, size and/or other properties. This substitution is located within the RING-type zinc finger domain and occurs at a position that is conserved across species. In silico analysis predicts this variant is probably damaging to the protein structure/function. Missense variants in nearby residues (W408R, F418S, F418L) have been reported in the Human Gene Mutation Database in association with CBL-related disorders (Stenson et al., 2014), supporting the functional importance of this region of the protein. Therefore, we interpret G413R as a likely pathogenic variant, however the possibility it may be a rare benign variant cannot be excluded.